The following is an entry in ClinVar:

NC_000023.11:g.(?_31679365)_(31679596_?)dup

Gene: DMD (dystrophin; minus strand). Cytogenetic location: Xp21.1.
Variant type: Duplication.
Identifiers: ClinVar variation 831333 (VCV000831333.1).

ClinVar aggregate classification (germline): Likely pathogenic (1 of 4 stars; one submission).

Conditions:
Duchenne muscular dystrophy (DMD). Also called: Duchenne Muscular Dystrophy (DMD); MUSCULAR DYSTROPHY, PSEUDOHYPERTROPHIC PROGRESSIVE, DUCHENNE TYPE. Identifiers: Orphanet 98896, MedGen C0013264, MONDO:0010679, OMIM 310200.

Submission:

Labcorp Genetics (formerly Invitae), Labcorp
Classification: Likely pathogenic for Duchenne muscular dystrophy. Last evaluated: 2019-06-27. Review status: criteria provided, single submitter. Criteria: Invitae Variant Classification Sherloc (09022015). Collection method: clinical testing. Allele origin: germline.
Comment: This variant results in a copy number gain of the genomic region encompassing exon 53 of the DMD gene. While the exact position of this variant cannot be determined from this data, sub-genic copy number gains are generally in tandem (PMID: 25640679) and may result in an absent or disrupted protein product. A copy number gain of exon 53 has been observed in an individual affected with Duchenne or Becker muscular dystrophy (PMID: 16030524, 16917894). Loss-of-function variants in DMD are known to be pathogenic (PMID: 16770791, 25007885). In summary, the currently available evidence indicates that the variant is pathogenic, but additional data are needed to prove that conclusively. Therefore, this variant has been classified as Likely Pathogenic.

Literature cited by the submitters: PubMed 16030524; PubMed 16917894.